The following is an entry in ClinVar:

NM_006269.2(RP1):c.2453del (p.Ser818fs)

Gene: RP1 (RP1 axonemal microtubule associated; plus strand). Cytogenetic location: 8q12.1.
Variant type: Deletion.
Coding change: c.2453del on transcript NM_006269.2 (MANE Select); coding-DNA position 2453, one base deleted (G; older notation c.2453delG).
Protein change: p.Ser818fs; shifts the reading frame from serine 818.
Molecular consequence: frameshift variant. On other transcripts: intron variant (1).
Genome position (GRCh38, 1-based): chr8:54,626,335, G deleted. VCF-style (leftmost placement, unchanged base first): chr8-54626334-AG-A. GRCh37 (hg19) VCF-style: chr8-55538894-AG-A.
Other names: c.787+4047del (NM_001375654.1); short protein forms S818fs.
Identifiers: ClinVar variation 3544440 (VCV003544440.1).

ClinVar aggregate classification (germline): Likely pathogenic (1 of 4 stars; one submission).

Conditions:
Retinitis pigmentosa (RP). Identifiers: Orphanet 791, MedGen C0035334, MeSH D012174, MONDO:0019200, OMIM 268000. Inheritance: Autosomal dominant, autosomal recessive and X linked inheritance.

Submission:

Lab De Baere, Eye and Developmental Genetics Lab, Ghent University
Classification: Likely pathogenic for Retinitis pigmentosa. Last evaluated: 2024-10-01. Review status: criteria provided, single submitter. Criteria: ACMG Guidelines, 2015. Collection method: research. Allele origin: inherited. Affected: yes. Observed: 1 variant allele.
Comment: ACMG/AMP guidelines: PM2, PVS1_PS2, PM3_PP